The following is an entry in ClinVar:

NM_201384.3(PLEC):c.6387_6392dup (p.Ala2133_Ala2134insGlnAla)

Gene: PLEC (plectin; minus strand). Cytogenetic location: 8q24.3.
Variant type: Duplication.
Coding change: c.6387_6392dup on transcript NM_201384.3 (MANE Select); coding-DNA positions 6387 to 6392, 6 bases duplicated (TCAGGC; older notation c.6387_6392dupTCAGGC).
Protein change: p.Ala2133_Ala2134insGlnAla.
Molecular consequence: inframe insertion.
Genome position (GRCh38, 1-based): chr8:143,923,537-143,923,542, GCCTGA duplicated on the plus strand (TCAGGC on the coding strand, the reverse complement: PLEC is on the minus strand); duplicating any 6 consecutive bases within chr8:143,923,537-143,923,545 gives the same sequence; the c. name uses the placement nearest the transcript's 3' end. VCF-style (leftmost placement, unchanged base first): chr8-143923536-T-TGCCTGA. GRCh37 (hg19) VCF-style: chr8-144997704-T-TGCCTGA.
Other names: c.6468_6473dup, p.Ala2160_Ala2161insGlnAla (NM_000445.5); c.6345_6350dup, p.Ala2119_Ala2120insGlnAla (NM_201378.4); c.6321_6326dup, p.Ala2111_Ala2112insGlnAla (NM_201379.3); c.6798_6803dup, p.Ala2270_Ala2271insGlnAla (NM_201380.4); c.6291_6296dup, p.Ala2101_Ala2102insGlnAla (NM_201381.3); c.6387_6392dup, p.Ala2133_Ala2134insGlnAla (NM_201382.4); c.6399_6404dup, p.Ala2137_Ala2138insGlnAla (NM_201383.3).
Identifiers: ClinVar variation 2192795 (VCV002192795.4), dbSNP rs1554692878, ClinGen allele CA586158273.
Genomic context (GRCh38, chr8:143,923,536, plus strand): 5'-CTGTGCCCGCCGCGCCGCCTCTTGCTCGGCCTCCTTGCGCAGCTTCTCTGCAGCCGCCTG[T>TGCCTGA]GCCTGAGCCCGGGCCTGTGCCTGCTCCTCTGCCGACTGCTTCAGCCGCTCGGCCTCTTCC-3'

ClinVar aggregate classification (germline): Uncertain significance (1 of 4 stars; one submission).

Conditions:
Epidermolysis bullosa simplex with nail dystrophy (EBS5D). Identifiers: MedGen C4225309, MONDO:0014661, OMIM 616487.
Epidermolysis bullosa simplex 5B, with muscular dystrophy (EBS5B). Also called: EPIDERMOLYSIS BULLOSA SIMPLEX AND LIMB-GIRDLE MUSCULAR DYSTROPHY; Epidermolysis bullosa simplex with muscular dystrophy. Identifiers: Orphanet 257, MedGen C2931072, MONDO:0009181, OMIM 226670.
Epidermolysis bullosa simplex, Ogna type (EBS5A). Also called: Pidermolysis bullosa simplex 5A, Ogna type; EPIDERMOLYSIS BULLOSA SIMPLEX 5A, OGNA TYPE. Identifiers: Orphanet 79401, MedGen C0432317, MONDO:0007555, OMIM 131950.
Epidermolysis bullosa simplex 5C, with pyloric atresia (EBS5C). Also called: Epidermolysis bullosa simplex with pyloric atresia; PLEC-Related Epidermolysis Bullosa with Pyloric Atresia; PLEC1-Related Epidermolysis Bullosa with Pyloric Atresia. Identifiers: Orphanet 158684, MedGen C2677349, MONDO:0012807, OMIM 612138.
Autosomal recessive limb-girdle muscular dystrophy type 2Q (LGMDR17). Also called: MUSCULAR DYSTROPHY, LIMB-GIRDLE, AUTOSOMAL RECESSIVE 17. Identifiers: Orphanet 254361, MedGen C3150989, MONDO:0013390, OMIM 613723.

Submission:

Labcorp Genetics (formerly Invitae), Labcorp
Classification: Uncertain significance for Autosomal recessive limb-girdle muscular dystrophy type 2Q; Epidermolysis bullosa simplex, Ogna type; Epidermolysis bullosa simplex with nail dystrophy; Epidermolysis bullosa simplex 5C, with pyloric atresia; Epidermolysis bullosa simplex 5B, with muscular dystrophy. Last evaluated: 2021-12-09. Review status: criteria provided, single submitter. Criteria: Invitae Variant Classification Sherloc (09022015). Collection method: clinical testing. Allele origin: germline.
Comment: In summary, the available evidence is currently insufficient to determine the role of this variant in disease. Therefore, it has been classified as a Variant of Uncertain Significance. Experimental studies and prediction algorithms are not available or were not evaluated, and the functional significance of this variant is currently unknown. This variant has not been reported in the literature in individuals affected with PLEC-related conditions. This variant is present in population databases (no rsID available, gnomAD 0.002%). This variant, c.6468_6473dup, results in the insertion of 2 amino acid(s) of the PLEC protein (p.Gln2159_Ala2160dup), but otherwise preserves the integrity of the reading frame.